The following is an entry in ClinVar:

NM_001048174.2(MUTYH):c.1509T>G (p.Asn503Lys)

Gene: MUTYH (mutY DNA glycosylase; minus strand). Cytogenetic location: 1p34.1.
Variant type: single nucleotide variant.
Coding change: c.1509T>G on transcript NM_001048174.2 (MANE Select); coding-DNA position 1509, T replaced by G.
Protein change: p.Asn503Lys; replaces asparagine 503 with lysine.
Molecular consequence: missense variant. On other transcripts: non-coding transcript variant (7).
Genome position (GRCh38, 1-based): chr1:45,329,363, A>C on the plus strand (T>G on the coding strand, the complement: MUTYH is on the minus strand). VCF-style: chr1-45329363-A-C. GRCh37 (hg19) VCF-style: chr1-45795035-A-C.
Other names: c.1509T>G, p.Asn503Lys (NM_001407073.1, NM_001048171.2, NM_001048173.2 and 6 more transcripts); c.1425T>G, p.Asn475Lys (NM_001407075.1); c.1512T>G, p.Asn504Lys (NM_001048172.2, NM_001407071.1, NM_001407086.1 and 1 more transcripts); c.1593T>G, p.Asn531Lys (NM_001128425.2); c.1554T>G, p.Asn518Lys (NM_001293190.2); c.1542T>G, p.Asn514Lys (NM_001293191.2, NM_001407069.1, NM_001407077.1); c.1233T>G, p.Asn411Lys (NM_001293192.2, NM_001293196.2, NM_001407091.1); c.1164T>G, p.Asn388Lys (NM_001350650.2, NM_001350651.2, NM_001407082.1); and 5 more; short protein forms N411K, N489K, N528K, N475K, N503K, N504K, N510K, N388K.
Identifiers: ClinVar variation 4113413 (VCV004113413.1).

ClinVar aggregate classification (germline): Uncertain significance (1 of 4 stars; one submission).

Conditions:
Hereditary cancer-predisposing syndrome. Also called: Tumor predisposition; Neoplastic Syndromes, Hereditary; Hereditary neoplastic syndrome; Hereditary Cancer Syndrome. Identifiers: Orphanet 140162, MedGen C0027672, MeSH D009386, MONDO:0015356.

Submission:

Ambry Genetics
Classification: Uncertain significance for Hereditary cancer-predisposing syndrome. Last evaluated: 2025-08-27. Review status: criteria provided, single submitter. Criteria: Ambry Variant Classification Scheme 2023. Collection method: clinical testing. Allele origin: germline.
Comment: The p.N531K variant (also known as c.1593T>G), located in coding exon 16 of the MUTYH gene, results from a T to G substitution at nucleotide position 1593. The asparagine at codon 531 is replaced by lysine, an amino acid with similar properties. This amino acid position is conserved. In addition, this alteration is predicted to be tolerated by in silico analysis. Based on the available evidence, the clinical significance of this variant remains unclear.